The following is an entry in ClinVar:

ClinVar aggregate classification (germline): Conflicting classifications of pathogenicity. Review status: criteria provided, conflicting classifications (1 of 4 stars). 5 submissions from 5 submitters: Uncertain significance (1); Likely benign (4). Last evaluated 2026-04-08.

Conditions:
HSPG2-related disorder. Also called: HSPG2-related condition; HSPG2-related disorders.

Allele frequency attached by ClinVar (database versions not stated): gnomAD exomes 0.00004 and 0.00014; ExAC 0.00017; gnomAD 0.00050 and 0.00053; TOPMed 0.00053; ESP Exome Variant Server 0.00054.
gnomAD v4.1: 127 of 1,605,272 alleles (0.0079%); highest among the groups gnomAD compares: African/African-American, 0.16%; 1 homozygote.

Submissions (5):

PreventionGenetics, part of Exact Sciences
Classification: Likely benign for HSPG2-related condition. Last evaluated: 2026-04-08. Review status: criteria provided, single submitter. Criteria: ACMG Guidelines, 2015. Collection method: clinical testing. Allele origin: germline.
Comment: This variant is classified as likely benign based on ACMG/AMP sequence variant interpretation guidelines (Richards et al. 2015 PMID: 25741868, with internal and published modifications).

Labcorp Genetics (formerly Invitae), Labcorp
Classification: Likely benign. Last evaluated: 2025-12-23. Review status: criteria provided, single submitter. Criteria: Invitae Variant Classification Sherloc (09022015). Collection method: clinical testing. Allele origin: germline.

Blueprint Genetics
Classification: Likely benign. Last evaluated: 2024-02-09. Review status: criteria provided, single submitter. Criteria: ACMG Guidelines, 2015. Collection method: clinical testing. Allele origin: germline.

ARUP Laboratories, Molecular Genetics and Genomics, ARUP Laboratories
Classification: Likely benign. Last evaluated: 2020-02-16. Review status: criteria provided, single submitter. Criteria: ARUP Molecular Germline Variant Investigation Process. Collection method: clinical testing. Allele origin: germline.

Revvity Omics, Revvity
Classification: Uncertain significance. Last evaluated: 2019-03-01. Review status: criteria provided, single submitter. Criteria: ACMG Guidelines, 2015. Collection method: clinical testing. Allele origin: germline.

NM_005529.7(HSPG2):c.11256G>A (p.Leu3752=)

Gene: HSPG2 (heparan sulfate proteoglycan 2; minus strand). Cytogenetic location: 1p36.12.
Variant type: single nucleotide variant.
Coding change: c.11256G>A on transcript NM_005529.7 (MANE Select); coding-DNA position 11256, G replaced by A.
Protein change: p.Leu3752=; no amino-acid change (leucine 3752 retained).
Molecular consequence: synonymous variant.
Genome position (GRCh38, 1-based): chr1:21,831,748, C>T on the plus strand (G>A on the coding strand, the complement: HSPG2 is on the minus strand). VCF-style: chr1-21831748-C-T. GRCh37 (hg19) VCF-style: chr1-22158241-C-T.
Other names: c.11256G>A (NM_005529.5); c.11259G>A, p.Leu3753= (NM_001291860.2).
Identifiers: ClinVar variation 724701 (VCV000724701.22), dbSNP rs144122107, ClinGen allele CA669856.